The following is an entry in ClinVar:

NM_176824.3(BBS7):c.1207G>A (p.Ala403Thr)

Gene: BBS7 (Bardet-Biedl syndrome 7; minus strand). Cytogenetic location: 4q27.
Variant type: single nucleotide variant.
Coding change: c.1207G>A on transcript NM_176824.3 (MANE Select); coding-DNA position 1207, G replaced by A.
Protein change: p.Ala403Thr; replaces alanine 403 with threonine.
Molecular consequence: missense variant.
Genome position (GRCh38, 1-based): chr4:121,845,527, C>T on the plus strand (G>A on the coding strand, the complement: BBS7 is on the minus strand). VCF-style: chr4-121845527-C-T. GRCh37 (hg19) VCF-style: chr4-122766682-C-T.
Other names: c.1207G>A, p.Ala403Thr (NM_018190.4); short protein forms A403T.
Identifiers: ClinVar variation 1378878 (VCV001378878.5), dbSNP rs761858167, ClinGen allele CA3064305.

ClinVar aggregate classification (germline): Uncertain significance (1 of 4 stars; one submission).

Conditions:
Bardet-Biedl syndrome (BBS). Identifiers: Orphanet 110, MedGen C0752166, MONDO:0015229.

Allele frequency attached by ClinVar (database versions not stated): gnomAD exomes below 0.00001; ExAC 0.00001.
gnomAD v4.1: 4 of 1,611,992 alleles (0.00025%); highest among the groups gnomAD compares: Non-Finnish European, 0.00034%; no homozygotes.

Submission:

Labcorp Genetics (formerly Invitae), Labcorp
Classification: Uncertain significance for Bardet-Biedl syndrome. Last evaluated: 2021-08-27. Review status: criteria provided, single submitter. Criteria: Invitae Variant Classification Sherloc (09022015). Collection method: clinical testing. Allele origin: germline.
Comment: This sequence change replaces alanine with threonine at codon 403 of the BBS7 protein (p.Ala403Thr). The alanine residue is highly conserved and there is a small physicochemical difference between alanine and threonine. This variant is present in population databases (rs761858167, ExAC 0.01%). This variant has not been reported in the literature in individuals affected with BBS7-related conditions. Algorithms developed to predict the effect of missense changes on protein structure and function (SIFT, PolyPhen-2, Align-GVGD) all suggest that this variant is likely to be tolerated. In summary, the available evidence is currently insufficient to determine the role of this variant in disease. Therefore, it has been classified as a Variant of Uncertain Significance.